The following is an entry in ClinVar:

NM_001127510.3(APC):c.1917dup (p.Arg640fs)

Gene: APC (APC regulator of Wnt signaling pathway; plus strand). Cytogenetic location: 5q22.2.
Variant type: Duplication.
Coding change: c.1917dup on transcript NM_001127510.3; coding-DNA position 1917, one base duplicated (A; older notation c.1917dupA).
Protein change: p.Arg640fs; shifts the reading frame from arginine 640.
Genome position (GRCh38, 1-based): chr5:112,835,124, A duplicated. VCF-style (leftmost placement, unchanged base first): chr5-112835123-T-TA. GRCh37 (hg19) VCF-style: chr5-112170820-T-TA.
Other names: NM_000038.4:c.1917dupA; p.Arg640ThrfsX11; c.1917dup, p.Arg640fs (NM_000038.6, NM_001354895.2); c.1863dup, p.Arg622fs (NM_001127511.3); c.1971dup, p.Arg658fs (NM_001354896.2); c.1947dup, p.Arg650fs (NM_001354897.2); c.1842dup, p.Arg615fs (NM_001354898.2); c.1833dup, p.Arg612fs (NM_001354899.2); and 7 more; short protein forms R480fs, R599fs, R640fs, R357fs, R581fs, R612fs, R615fs, R514fs.
Identifiers: ClinVar variation 42240 (VCV000042240.6), dbSNP rs397515732, ClinGen allele CA006371.

ClinVar aggregate classification (germline): Likely pathogenic. Review status: criteria provided, single submitter (1 of 4 stars). 2 submissions from 2 submitters: Likely pathogenic (1). 1 of the submissions does not count toward it. Last evaluated 2012-04-24.

Conditions:
Familial multiple polyposis syndrome (FAP). Also called: Familial adenomatous polyposis; Familial intestinal polyposis; Familial polyposis; Classic familial adenomatous polyposis; Familial Adenomatous Polyposis (FAP). Identifiers: Orphanet 733, MedGen C0032580, MONDO:0021055. Disease mechanism: loss of function.
Familial adenomatous polyposis 1 (FAP1). Also called: FAMILIAL ADENOMATOUS POLYPOSIS 1, ATTENUATED; POLYPOSIS, ADENOMATOUS INTESTINAL. Identifiers: MedGen C2713442, MONDO:0021056, OMIM 175100. Disease mechanism: loss of function.

Submissions (2):

Laboratory for Molecular Medicine, Mass General Brigham Personalized Medicine
Classification: Likely pathogenic for Familial multiple polyposis syndrome. Last evaluated: 2012-04-24. Review status: criteria provided, single submitter. Criteria: LMM Criteria. Collection method: clinical testing. Allele origin: germline. Inheritance: Autosomal dominant inheritance. Observed: 1 variant allele.
Comment: This frameshift variant is predicted to alter the protein?s amino acid sequence beginning at position 64 0 and lead to a premature termination codon 11 amino acids downstream. This alte ration is then predicted to lead to a truncated or absent protein. Heterozygous loss of function of function of the APC gene is an established disease mechanism in familial adenomatous polyposis (FAP) patients. In summary, this variant is l ikely to be pathogenic, though segregation studies and functional analyses are r equired to fully establish the pathogenicity of this variant.

Counsyl
Classification: Likely pathogenic for Familial adenomatous polyposis 1. Last evaluated: 2016-04-28. Review status: no assertion criteria provided. Collection method: clinical testing. Allele origin: unknown. Not counted in ClinVar's aggregate classification.

Literature cited by the submitters: PubMed 9101302 (cited by Laboratory for Molecular Medicine, Mass General Brigham Personalized Medicine and Counsyl).